The following is an entry in ClinVar:

ClinVar aggregate classification (germline): Uncertain significance (1 of 4 stars; one submission).

Conditions:
Short-rib thoracic dysplasia 14 with polydactyly (SRTD14). Identifiers: Orphanet 397715, MedGen C4225286, MONDO:0014688, OMIM 616546.
Joubert syndrome 23 (JBTS23). Identifiers: Orphanet 475, MedGen C4084822, MONDO:0014664, OMIM 616490.

gnomAD v4.1: 2 of 1,613,852 alleles (0.00012%); highest among the groups gnomAD compares: Non-Finnish European, 0.000085%; no homozygotes.

Submission:

Labcorp Genetics (formerly Invitae), Labcorp
Classification: Uncertain significance for Joubert syndrome 23; Short-rib thoracic dysplasia 14 with polydactyly. Last evaluated: 2022-02-13. Review status: criteria provided, single submitter. Criteria: Invitae Variant Classification Sherloc (09022015). Collection method: clinical testing. Allele origin: germline.
Comment: In summary, the available evidence is currently insufficient to determine the role of this variant in disease. Therefore, it has been classified as a Variant of Uncertain Significance. Algorithms developed to predict the effect of missense changes on protein structure and function are either unavailable or do not agree on the potential impact of this missense change (SIFT: "Deleterious"; PolyPhen-2: "Probably Damaging"; Align-GVGD: "Class C0"). This sequence change replaces threonine, which is neutral and polar, with isoleucine, which is neutral and non-polar, at codon 1292 of the KIAA0586 protein (p.Thr1292Ile). This variant is not present in population databases (gnomAD no frequency). This variant has not been reported in the literature in individuals affected with KIAA0586-related conditions.

NM_001329943.3(KIAA0586):c.3716C>T (p.Thr1239Ile)

Gene: KIAA0586 (KIAA0586; plus strand). Cytogenetic location: 14q23.1.
Variant type: single nucleotide variant.
Coding change: c.3716C>T on transcript NM_001329943.3 (MANE Select); coding-DNA position 3716, C replaced by T.
Protein change: p.Thr1239Ile; replaces threonine 1239 with isoleucine.
Molecular consequence: missense variant.
Genome position (GRCh38, 1-based): chr14:58,488,809, C>T. VCF-style: chr14-58488809-C-T. GRCh37 (hg19) VCF-style: chr14-58955527-C-T.
Other names: c.3584C>T, p.Thr1195Ile (NM_001244192.2); c.3296C>T, p.Thr1099Ile (NM_001244193.2); c.3716C>T, p.Thr1239Ile (NM_001329944.2, NM_001329946.2, NM_001329947.2); c.3461C>T, p.Thr1154Ile (NM_001329945.2, NM_001364700.1, NM_001364701.2 and 1 more transcripts); c.3488C>T, p.Thr1163Ile (NM_014749.5); c.3875C>T, p.Thr1292Ile (NM_001244189.2); c.3671C>T, p.Thr1224Ile (NM_001244190.2); short protein forms T1154I, T1099I, T1224I, T1239I, T1163I, T1292I, T1195I.
Identifiers: ClinVar variation 2171557 (VCV002171557.4), dbSNP rs2543694286, ClinGen allele CA389882823.
Genomic context (GRCh38, chr14:58,488,809, plus strand): 5'-CAGGTTCTGATTCATCAACACTGGAGAGCACATTGAGTGTTACTGTCACTGAAACTGAAA[C>T]TTTAGATAAACCCATCTCTGAAGGAGAGATTTTATTTAGCTGTGGTCAAAAATTGGCCCC-3'
Protein context (NP_001316872.1, residues 1229-1249): TLSVTVTETE[Thr1239Ile]LDKPISEGEI